The following is an entry in ClinVar:

ClinVar aggregate classification (germline): Likely pathogenic (1 of 4 stars; one submission).

Conditions:
Neurodevelopmental disorder with visual defects and brain anomalies. Identifiers: MedGen C5231404, MONDO:0032807, OMIM 618547.

Allele frequency attached by ClinVar (database versions not stated): gnomAD 0.00001.
gnomAD v4.1: 1 of 1,614,104 alleles (0.000062%); highest among the groups gnomAD compares: East Asian, 0.0022%; no homozygotes.

Submission:

3billion
Classification: Likely pathogenic for Neurodevelopmental disorder with visual defects and brain anomalies. Last evaluated: 2021-10-02. Review status: criteria provided, single submitter. Criteria: ACMG Guidelines, 2015. Collection method: clinical testing. Allele origin: unknown. Affected: yes. Observed: 1 heterozygote.
Comment: The missense variant is located in a mutational hot spot and/or well-established functional domain in which established pathogenic variants have been reported (PM1).The variant is observed at an extremely low frequency in the gnomAD v2.1.1 dataset (total allele frequency: 0.0000318, PM2). Missense changes are a common disease-causing mechanism (PP2). In silico tool predictions suggest damaging effect of the variant on gene or gene product (REVEL: 0.76, PP3). Therefore, this variant is classified as likely pathogenic according to the recommendation of ACMG/AMP guideline.

NM_000188.3(HK1):c.796G>A (p.Asp266Asn)

Gene: HK1 (hexokinase 1; plus strand). Cytogenetic location: 10q22.1.
Variant type: single nucleotide variant.
Coding change: c.796G>A on transcript NM_000188.3 (MANE Select); coding-DNA position 796, G replaced by A.
Protein change: p.Asp266Asn; replaces aspartic acid 266 with asparagine.
Molecular consequence: missense variant.
Genome position (GRCh38, 1-based): chr10:69,369,545, G>A. VCF-style: chr10-69369545-G-A. GRCh37 (hg19) VCF-style: chr10-71129301-G-A.
Other names: c.808G>A, p.Asp270Asn (NM_001322364.2, NM_001358263.1, NM_033497.3 and 1 more transcripts); c.901G>A, p.Asp301Asn (NM_001322365.2); c.712G>A, p.Asp238Asn (NM_001322366.1); c.700G>A, p.Asp234Asn (NM_001322367.1); c.793G>A, p.Asp265Asn (NM_033496.3); c.760G>A, p.Asp254Asn (NM_033500.2); short protein forms D234N, D238N, D254N, D265N, D266N, D270N, D301N.
Identifiers: ClinVar variation 1320105 (VCV001320105.1), dbSNP rs1322472709, ClinGen allele CA376914320.